The following is an entry in ClinVar:

ClinVar aggregate classification (germline): Likely benign (0 of 4 stars; one submission).

Conditions:
REST-related disorder. Also called: REST-related condition.

Allele frequency attached by ClinVar (database versions not stated): TOPMed below 0.00001.

Submission:

PreventionGenetics, part of Exact Sciences
Classification: Likely benign for REST-related condition. Last evaluated: 2022-10-31. Review status: no assertion criteria provided. Collection method: clinical testing. Allele origin: germline.
Comment: This variant is classified as likely benign based on ACMG/AMP sequence variant interpretation guidelines (Richards et al. 2015 PMID: 25741868, with internal and published modifications).

NM_005612.5(REST):c.3234C>T (p.His1078=)

Gene: REST (RE1 silencing transcription factor; plus strand). Cytogenetic location: 4q12.
Variant type: single nucleotide variant.
Coding change: c.3234C>T on transcript NM_005612.5 (MANE Select); coding-DNA position 3234, C replaced by T.
Protein change: p.His1078=; no amino-acid change (histidine 1078 retained).
Molecular consequence: synonymous variant.
Genome position (GRCh38, 1-based): chr4:56,932,092, C>T. VCF-style: chr4-56932092-C-T. GRCh37 (hg19) VCF-style: chr4-57798258-C-T.
Other names: c.3234C>T, p.His1078= (NM_001193508.2, NM_001363453.3).
Identifiers: ClinVar variation 3044943 (VCV003044943.2), dbSNP rs1578517651, ClinGen allele CA439509186.